The following is an entry in ClinVar:

NM_001071.4(TYMS):c.455-1519_455-1484del

Genes: ENOSF1 (enolase superfamily member 1; minus strand), TYMS (thymidylate synthetase; plus strand). Cytogenetic location: 18p11.32.
Variant type: Deletion.
Coding change: c.455-1519_455-1484del on transcript NM_001071.4 (MANE Select); 1519 bases into the intron before coding-DNA position 455 through 1484 bases into the intron before coding-DNA position 455, 36 bases deleted.
Molecular consequence: intron variant.
Genome position (GRCh38, 1-based): chr18:667,553-667,588, 36 bases deleted; deleting any 36 consecutive bases within chr18:667,536-667,588 gives the same sequence; the c. name uses the placement nearest the transcript's 3' end. GRCh37 (hg19): chr18:667,553-667,588.
Other names: c.455-3139_455-3104del (NM_001354867.2); c.206-1519_206-1484del (NM_001354868.2).
Identifiers: ClinVar variation 4681778 (VCV004681778.5).

ClinVar aggregate classification (germline): Likely benign (1 of 4 stars; one submission).

Submission:

CeGaT Center for Human Genetics Tuebingen
Classification: Likely benign. Last evaluated: 2025-12-01. Review status: criteria provided, single submitter. Criteria: CeGaT Center For Human Genetics Tuebingen Variant Classification Criteria Version 2. Collection method: clinical testing. Allele origin: germline. Affected: yes. Observed: 1 variant allele.
Comment: TYMS: BS2